The following is an entry in ClinVar:

ClinVar aggregate classification (germline): Uncertain significance (1 of 4 stars; one submission).

Submission:

Women's Health and Genetics/Laboratory Corporation of America, LabCorp
Classification: Uncertain significance. Last evaluated: 2019-10-04. Review status: criteria provided, single submitter. Criteria: LabCorp Variant Classification Summary - May 2015. Collection method: clinical testing. Allele origin: germline.
Comment: Variant summary: NF1 c.4727G>T (p.Gly1576Val) results in a non-conservative amino acid change in the encoded protein sequence. Five of five in-silico tools predict a damaging effect of the variant on protein function. The variant was absent in 251014 control chromosomes. The available data on variant occurrences in the general population are insufficient to allow any conclusion about variant significance. To our knowledge, no occurrence of c.4727G>T in individuals affected with Neurofibromatosis Type 1 and no experimental evidence demonstrating its impact on protein function have been reported. No clinical diagnostic laboratories have submitted clinical-significance assessments for this variant to ClinVar after 2014. Based on the evidence outlined above, the variant was classified as uncertain significance.

NM_001042492.3(NF1):c.4790G>T (p.Gly1597Val)

Gene: NF1 (neurofibromin 1; plus strand). Cytogenetic location: 17q11.2.
Variant type: single nucleotide variant.
Coding change: c.4790G>T on transcript NM_001042492.3 (MANE Select); coding-DNA position 4790, G replaced by T.
Protein change: p.Gly1597Val; replaces glycine 1597 with valine.
Molecular consequence: missense variant.
Genome position (GRCh38, 1-based): chr17:31,265,294, G>T. VCF-style: chr17-31265294-G-T. GRCh37 (hg19) VCF-style: chr17-29592312-G-T.
Other names: c.4727G>T, p.Gly1576Val (NM_000267.4); short protein forms G1576V, G1597V.
Identifiers: ClinVar variation 928592 (VCV000928592.1), dbSNP rs2067766230, ClinGen allele CA399001300.